The following is an entry in ClinVar:

NM_001330360.2(POLA1):c.1345A>C (p.Ile449Leu)

Gene: POLA1 (DNA polymerase alpha 1, catalytic subunit; plus strand). Cytogenetic location: Xp22.11.
Variant type: single nucleotide variant.
Coding change: c.1345A>C on transcript NM_001330360.2 (MANE Select); coding-DNA position 1345, A replaced by C.
Protein change: p.Ile449Leu; replaces isoleucine 449 with leucine.
Molecular consequence: missense variant. On other transcripts: non-coding transcript variant (2), intron variant (1).
Genome position (GRCh38, 1-based): chrX:24,726,008, A>C. VCF-style: chrX-24726008-A-C. GRCh37 (hg19) VCF-style: chrX-24744125-A-C.
Other names: c.1327A>C, p.Ile443Leu (NM_016937.4); c.1318-925A>C (NM_001378303.1); short protein forms I443L, I449L.
Identifiers: ClinVar variation 2759140 (VCV002759140.3), dbSNP rs2518787075, ClinGen allele CA412533145.

ClinVar aggregate classification (germline): Uncertain significance (1 of 4 stars; one submission).

Submission:

Labcorp Genetics (formerly Invitae), Labcorp
Classification: Uncertain significance. Last evaluated: 2023-09-11. Review status: criteria provided, single submitter. Criteria: Invitae Variant Classification Sherloc (09022015). Collection method: clinical testing. Allele origin: germline.
Comment: This sequence change replaces isoleucine, which is neutral and non-polar, with leucine, which is neutral and non-polar, at codon 443 of the POLA1 protein (p.Ile443Leu). This variant is not present in population databases (gnomAD no frequency). This variant has not been reported in the literature in individuals affected with POLA1-related conditions. Advanced modeling of protein sequence and biophysical properties (such as structural, functional, and spatial information, amino acid conservation, physicochemical variation, residue mobility, and thermodynamic stability) performed at Invitae indicates that this missense variant is not expected to disrupt POLA1 protein function. In summary, the available evidence is currently insufficient to determine the role of this variant in disease. Therefore, it has been classified as a Variant of Uncertain Significance.